The following is an entry in ClinVar:

ClinVar aggregate classification (germline): Uncertain significance (1 of 4 stars; one submission).

Conditions:
Dilated cardiomyopathy 1KK (CMD1KK). Identifiers: Orphanet 154, Orphanet 75249, MedGen C3714995, MONDO:0014100, OMIM 615248.

Submission:

Labcorp Genetics (formerly Invitae), Labcorp
Classification: Uncertain significance for Dilated cardiomyopathy 1KK. Last evaluated: 2024-10-30. Review status: criteria provided, single submitter. Criteria: Invitae Variant Classification Sherloc (09022015). Collection method: clinical testing. Allele origin: germline.
Comment: This sequence change replaces asparagine, which is neutral and polar, with isoleucine, which is neutral and non-polar, at codon 382 of the MYPN protein (p.Asn382Ile). This variant is not present in population databases (gnomAD no frequency). This variant has not been reported in the literature in individuals affected with MYPN-related conditions. An algorithm developed to predict the effect of missense changes on protein structure and function (PolyPhen-2) suggests that this variant is likely to be tolerated. In summary, the available evidence is currently insufficient to determine the role of this variant in disease. Therefore, it has been classified as a Variant of Uncertain Significance.

NM_032578.4(MYPN):c.1145A>T (p.Asn382Ile)

Gene: MYPN (myopalladin; plus strand). Cytogenetic location: 10q21.3.
Variant type: single nucleotide variant.
Coding change: c.1145A>T on transcript NM_032578.4 (MANE Select); coding-DNA position 1145, A replaced by T.
Protein change: p.Asn382Ile; replaces asparagine 382 with isoleucine.
Molecular consequence: missense variant. On other transcripts: non-coding transcript variant (2).
Genome position (GRCh38, 1-based): chr10:68,148,367, A>T. VCF-style: chr10-68148367-A-T. GRCh37 (hg19) VCF-style: chr10-69908124-A-T.
Other names: c.1145A>T, p.Asn382Ile (NM_001256267.2); c.263A>T, p.Asn88Ile (NM_001256268.2); short protein forms N88I, N382I.
Identifiers: ClinVar variation 3724285 (VCV003724285.2).
Genomic context (GRCh38, chr10:68,148,367, plus strand): 5'-AGAGTGATAGGTCTATTTTATAATCTATATTTTAATAATTTCTCAGAATCCAGAAGCCAA[A>T]TGAGGTGTCATCTCCTCCCACTACCTCTGCAGTCATTCCTCCAGCAGTACCCCAAGCCCA-3'
Protein context (NP_115967.2, residues 372-392): KEEMNRIQKP[Asn382Ile]EVSSPPTTSA